The following is an entry in ClinVar:

ClinVar aggregate classification (germline): Likely pathogenic (1 of 4 stars; one submission).

Conditions:
Autoimmune lymphoproliferative syndrome type 1. Also called: AUTOIMMUNE LYMPHOPROLIFERATIVE SYNDROME, TYPE I, AUTOSOMAL DOMINANT. Identifiers: Orphanet 3261, MedGen C2717884, MONDO:0011158, OMIM 601859.

Allele frequency attached by ClinVar (database versions not stated): TOPMed 0.00001; gnomAD 0.00001.

Submission:

Labcorp Genetics (formerly Invitae), Labcorp
Classification: Likely pathogenic for Autoimmune lymphoproliferative syndrome. Last evaluated: 2025-10-15. Review status: criteria provided, single submitter. Criteria: Invitae Variant Classification Sherloc (09022015). Collection method: clinical testing. Allele origin: germline.
Comment: This sequence change replaces glutamic acid, which is acidic and polar, with valine, which is neutral and non-polar, at codon 114 of the FAS protein (p.Glu114Val). This variant is present in population databases (no rsID available, gnomAD 0.01%). This missense change has been observed in individual(s) with autoimmune lymphoproliferative syndrome (PMID: 22237435, 35753512; internal data). ClinVar contains an entry for this variant (Variation ID: 2735447). Invitae Evidence Modeling of protein sequence and biophysical properties (such as structural, functional, and spatial information, amino acid conservation, physicochemical variation, residue mobility, and thermodynamic stability) has been performed for this missense variant. However, the output from this modeling did not meet the statistical confidence thresholds required to predict the impact of this variant on FAS protein function. Studies have shown that this missense change is associated with inconclusive levels of altered splicing (PMID: 22237435). This variant disrupts the p.Glu114 amino acid residue in FAS. Other variant(s) that disrupt this residue have been observed in individuals with FAS-related conditions (PMID: 38954121), which suggests that this may be a clinically significant amino acid residue. In summary, the currently available evidence indicates that the variant is pathogenic, but additional data are needed to prove that conclusively. Therefore, this variant has been classified as Likely Pathogenic.

Literature cited by the submitters: PubMed 22237435; PubMed 35753512; PubMed 38954121.

NM_000043.6(FAS):c.341A>T (p.Glu114Val)

Gene: FAS (Fas cell surface death receptor; plus strand). Cytogenetic location: 10q23.31.
Variant type: single nucleotide variant.
Coding change: c.341A>T on transcript NM_000043.6 (MANE Select); coding-DNA position 341, A replaced by T.
Protein change: p.Glu114Val; replaces glutamic acid 114 with valine.
Molecular consequence: missense variant. On other transcripts: non-coding transcript variant (1).
Genome position (GRCh38, 1-based): chr10:89,008,895, A>T. VCF-style: chr10-89008895-A-T. GRCh37 (hg19) VCF-style: chr10-90768652-A-T.
Other names: c.341A>T, p.Glu114Val (NM_001320619.2, NM_152871.4, NM_152872.4); c.386A>T, p.Glu129Val (NM_001410956.1); short protein forms E114V, E129V.
Identifiers: ClinVar variation 2735447 (VCV002735447.3), dbSNP rs1435894576, ClinGen allele CA377508523.